The following is an entry in ClinVar:

NM_001036.6(RYR3):c.6942C>G (p.Ile2314Met)

Gene: RYR3 (ryanodine receptor 3; plus strand). Cytogenetic location: 15q14.
Variant type: single nucleotide variant.
Coding change: c.6942C>G on transcript NM_001036.6 (MANE Select); coding-DNA position 6942, C replaced by G.
Protein change: p.Ile2314Met; replaces isoleucine 2314 with methionine.
Molecular consequence: missense variant.
Genome position (GRCh38, 1-based): chr15:33,726,415, C>G. VCF-style: chr15-33726415-C-G. GRCh37 (hg19) VCF-style: chr15-34018616-C-G.
Other names: c.6942C>G, p.Ile2314Met (NM_001243996.4); short protein forms I2314M.
Identifiers: ClinVar variation 530963 (VCV000530963.9), dbSNP rs185038162, ClinGen allele CA7459746.

ClinVar aggregate classification (germline): Uncertain significance (1 of 4 stars; one submission).

Conditions:
Epileptic encephalopathy. Identifiers: MedGen C0543888, HP:0200134.

Allele frequency attached by ClinVar (database versions not stated): gnomAD exomes 0.00002 and 0.00001; TOPMed 0.00002; gnomAD 0.00001 and 0.00002; ExAC 0.00002; 1000 Genomes Project 30x 0.00031; 1000 Genomes Project 0.00020.
gnomAD v4.1: 19 of 1,612,980 alleles (0.0012%); highest among the groups gnomAD compares: Admixed American, 0.02%; no homozygotes.

Submission:

Labcorp Genetics (formerly Invitae), Labcorp
Classification: Uncertain significance for Epileptic encephalopathy. Last evaluated: 2017-12-24. Review status: criteria provided, single submitter. Criteria: Invitae Variant Classification Sherloc (09022015). Collection method: clinical testing. Allele origin: germline.
Comment: Algorithms developed to predict the effect of missense changes on protein structure and function do not agree on the potential impact of this missense change (SIFT: "Deleterious"; PolyPhen-2: "Possibly Damaging"; Align-GVGD: "Class C0"). This variant has not been reported in the literature in individuals with RYR3-related disease. This sequence change replaces isoleucine with methionine at codon 2314 of the RYR3 protein (p.Ile2314Met). The isoleucine residue is highly conserved and there is a small physicochemical difference between isoleucine and methionine. In summary, the available evidence is currently insufficient to determine the role of this variant in disease. Therefore, it has been classified as a Variant of Uncertain Significance. This variant is present in population databases (rs185038162, ExAC 0.01%).